The following is an entry in ClinVar:

ClinVar aggregate classification (germline): Uncertain significance (1 of 4 stars; one submission).

Submission:

Labcorp Genetics (formerly Invitae), Labcorp
Classification: Uncertain significance. Last evaluated: 2025-01-22. Review status: criteria provided, single submitter. Criteria: Invitae Variant Classification Sherloc (09022015). Collection method: clinical testing. Allele origin: germline.
Comment: This sequence change creates a premature translational stop signal (p.Ser74Argfs*17) in the CDH2 gene. It is expected to result in an absent or disrupted protein product. However, the current clinical and genetic evidence is not sufficient to establish whether loss-of-function variants in CDH2 cause disease. This variant is not present in population databases (gnomAD no frequency). This variant has not been reported in the literature in individuals affected with CDH2-related conditions. In summary, the available evidence is currently insufficient to determine the role of this variant in disease. Therefore, it has been classified as a Variant of Uncertain Significance.

NM_001792.5(CDH2):c.222del (p.Ser74fs)

Gene: CDH2 (cadherin 2; minus strand). Cytogenetic location: 18q12.1.
Variant type: Deletion.
Coding change: c.222del on transcript NM_001792.5 (MANE Select); coding-DNA position 222, one base deleted (T; older notation c.222delT).
Protein change: p.Ser74fs; shifts the reading frame from serine 74.
Molecular consequence: frameshift variant.
Genome position (GRCh38, 1-based): chr18:28,013,860, A deleted on the plus strand (T on the coding strand, the reverse complement: CDH2 is on the minus strand). VCF-style (leftmost placement, unchanged base first): chr18-28013859-CA-C. GRCh37 (hg19) VCF-style: chr18-25593823-CA-C.
Other names: c.129del, p.Ser43fs (NM_001308176.2); short protein forms S43fs, S74fs.
Identifiers: ClinVar variation 3729341 (VCV003729341.2).
Genomic context (GRCh38, chr18:28,013,859, plus strand): 5'-GTGGAAAGCTTCTCACGGCATACACCATGCCATCTTCATCCACCTTAAAATCTGCAGGCT[CA>C]CTGCTCTCATATTGTACTTTTCTTTTTCCATTGCAGTTGCTAAACTTCACTGTAAAAGAT-3'